The following is an entry in ClinVar:

ClinVar aggregate classification (germline): Uncertain significance (1 of 4 stars; one submission).

Conditions:
BDNF-related disorder. Also called: BDNF-related condition.

Allele frequency attached by ClinVar (database versions not stated): gnomAD exomes 0.00001; ExAC 0.00002; gnomAD 0.00015; TOPMed 0.00017.
gnomAD v4.1: 34 of 1,604,648 alleles (0.0021%); highest among the groups gnomAD compares: African/African-American, 0.045%; no homozygotes.

Submission:

PreventionGenetics, part of Exact Sciences
Classification: Uncertain significance for BDNF-related condition. Last evaluated: 2026-08-14. Review status: criteria provided, single submitter. Criteria: ACMG Guidelines, 2015. Collection method: clinical testing. Allele origin: germline.
Comment: The BDNF c.219C>A variant is predicted to result in the amino acid substitution p.Phe73Leu. Of note, this variant can also be referred to as c.-15502C>A with the more commonly reported isoform, NM_170735. To our knowledge, this variant has not been reported in the literature. This variant is reported in 0.039% of alleles in individuals of African descent in gnomAD. At this time, the clinical significance of this variant is uncertain due to the absence of conclusive functional and genetic evidence.

NM_001709.5(BDNF):c.-21-15481C>A

Genes: BDNF (brain derived neurotrophic factor; minus strand), BDNF-AS (BDNF antisense RNA; plus strand). Cytogenetic location: 11p14.1.
Variant type: single nucleotide variant.
Coding change: c.-21-15481C>A on transcript NM_001709.5 (MANE Select); 15481 bases into the intron before 21 bases upstream of the start codon, C replaced by A.
Molecular consequence: intron variant. On other transcripts: missense variant (1), 5 prime UTR variant (1).
Genome position (GRCh38, 1-based): chr11:27,674,066, G>T on the plus strand (C>A on the coding strand, the complement: BDNF is on the minus strand). VCF-style: chr11-27674066-G-T. GRCh37 (hg19) VCF-style: chr11-27695613-G-T.
Other names: c.219C>A, p.Phe73Leu (NM_001143810.2); c.-145C>A (NM_001143811.2); c.4-15481C>A (NM_170731.5); c.-21-15481C>A (NM_001143805.1, NM_001143806.1, NM_170732.4 and 5 more transcripts); c.67-15481C>A (NM_001143809.2); c.-128-15140C>A (NM_001143814.2); c.25-15481C>A (NM_170734.4); short protein forms F73L.
Identifiers: ClinVar variation 2631964 (VCV002631964.3), dbSNP rs748698239, ClinGen allele CA5929172.